The following is an entry in ClinVar:

ClinVar aggregate classification (germline): Uncertain significance. Review status: criteria provided, multiple submitters, no conflicts (2 of 4 stars). 2 submissions from 2 submitters: Uncertain significance (2). Last evaluated 2024-03-28.

Conditions:
Cardiovascular phenotype. Identifiers: MedGen CN230736.
Desmin-related myofibrillar myopathy (MFM1). Also called: Desminopathy; Desmin related myopathy (former name); Desmin storage myopathy (former name); MYOFIBRILLAR MYOPATHY WITH ARRHYTHMOGENIC RIGHT VENTRICULAR CARDIOMYOPATHY; DESMIN-RELATED MYOPATHY WITH ARRHYTHMOGENIC RIGHT VENTRICULAR CARDIOMYOPATHY; Myofibrillar myopathy 1. Identifiers: Orphanet 363543, Orphanet 98909, MedGen C1832370, MONDO:0011076, OMIM 601419.

Allele frequency attached by ClinVar (database versions not stated): gnomAD exomes below 0.00001; TOPMed 0.00002.
gnomAD v4.1: 1 of 1,614,106 alleles (0.000062%); highest among the groups gnomAD compares: East Asian, 0.0022%; no homozygotes.

Submissions (2):

Labcorp Genetics (formerly Invitae), Labcorp
Classification: Uncertain significance for Desmin-related myofibrillar myopathy. Last evaluated: 2024-03-28. Review status: criteria provided, single submitter. Criteria: Invitae Variant Classification Sherloc (09022015). Collection method: clinical testing. Allele origin: germline.
Comment: This sequence change replaces asparagine, which is neutral and polar, with serine, which is neutral and polar, at codon 366 of the DES protein (p.Asn366Ser). This variant is not present in population databases (gnomAD no frequency). This missense change has been observed in individual(s) with dilated cardiomyopathy (Invitae). Advanced modeling of protein sequence and biophysical properties (such as structural, functional, and spatial information, amino acid conservation, physicochemical variation, residue mobility, and thermodynamic stability) performed at Invitae indicates that this missense variant is not expected to disrupt DES protein function with a negative predictive value of 80%. In summary, the available evidence is currently insufficient to determine the role of this variant in disease. Therefore, it has been classified as a Variant of Uncertain Significance.

Ambry Genetics
Classification: Uncertain significance for Cardiovascular phenotype. Last evaluated: 2023-11-21. Review status: criteria provided, single submitter. Criteria: Ambry Variant Classification Scheme 2023. Collection method: clinical testing. Allele origin: germline.
Comment: The p.N366S variant (also known as c.1097A>G), located in coding exon 6 of the DES gene, results from an A to G substitution at nucleotide position 1097. The asparagine at codon 366 is replaced by serine, an amino acid with highly similar properties. This amino acid position is conserved. In addition, this alteration is predicted to be tolerated by in silico analysis. Since supporting evidence is limited at this time, the clinical significance of this alteration remains unclear.

NM_001927.4(DES):c.1097A>G (p.Asn366Ser)

Gene: DES (desmin; plus strand). Cytogenetic location: 2q35.
Variant type: single nucleotide variant.
Coding change: c.1097A>G on transcript NM_001927.4 (MANE Select); coding-DNA position 1097, A replaced by G.
Protein change: p.Asn366Ser; replaces asparagine 366 with serine.
Molecular consequence: missense variant. On other transcripts: intron variant (1).
Genome position (GRCh38, 1-based): chr2:219,421,413, A>G. VCF-style: chr2-219421413-A-G. GRCh37 (hg19) VCF-style: chr2-220286135-A-G.
Other names: c.1094A>G, p.Asn365Ser (NM_001382708.1); c.1028A>G, p.Asn343Ser (NM_001382710.1); c.1076A>G, p.Asn359Ser (NM_001382711.1); c.1097A>G, p.Asn366Ser (NM_001382712.1); c.827A>G, p.Asn276Ser (NM_001382713.1); c.736-71A>G (NM_001382709.1); short protein forms N276S, N359S, N343S, N366S, N365S.
Identifiers: ClinVar variation 2925199 (VCV002925199.4), dbSNP rs1472005530, ClinGen allele CA350694194.